The following is an entry in ClinVar:

ClinVar aggregate classification (germline): Conflicting classifications of pathogenicity. Review status: criteria provided, conflicting classifications (1 of 4 stars). 4 submissions from 4 submitters: Uncertain significance (3); Benign (1). Last evaluated 2026-04-14.

Conditions:
Primary ciliary dyskinesia. Also called: Ciliary dyskinesia. Identifiers: Orphanet 244, MedGen C0008780, MONDO:0016575, HP:0012265.

gnomAD v4.1: 53 of 1,613,052 alleles (0.0033%); highest among the groups gnomAD compares: South Asian, 0.036%; no homozygotes.

Submissions (4):

GeneDx
Classification: Uncertain significance. Last evaluated: 2026-04-14. Review status: criteria provided, single submitter. Criteria: GeneDx Variant Classification Process June 2021. Collection method: clinical testing. Allele origin: germline.
Comment: In silico analysis supports that this missense variant has a deleterious effect on protein structure/function; Has not been previously published as pathogenic or benign to our knowledge

Ambry Genetics
Classification: Uncertain significance for Primary ciliary dyskinesia. Last evaluated: 2025-11-12. Review status: criteria provided, single submitter. Criteria: Ambry Variant Classification Scheme 2023. Collection method: clinical testing. Allele origin: germline.

Labcorp Genetics (formerly Invitae), Labcorp
Classification: Benign for Primary ciliary dyskinesia. Last evaluated: 2024-12-20. Review status: criteria provided, single submitter. Criteria: Invitae Variant Classification Sherloc (09022015). Collection method: clinical testing. Allele origin: germline.

Blueprint Genetics
Classification: Uncertain significance. Last evaluated: 2024-07-10. Review status: criteria provided, single submitter. Criteria: ACMG Guidelines, 2015. Collection method: clinical testing. Allele origin: germline.

NM_001277115.2(DNAH11):c.6593C>T (p.Pro2198Leu)

Gene: DNAH11 (dynein axonemal heavy chain 11; plus strand). Cytogenetic location: 7p15.3.
Variant type: single nucleotide variant.
Coding change: c.6593C>T on transcript NM_001277115.2 (MANE Select); coding-DNA position 6593, C replaced by T.
Protein change: p.Pro2198Leu; replaces proline 2198 with leucine.
Molecular consequence: missense variant.
Genome position (GRCh38, 1-based): chr7:21,707,745, C>T. VCF-style: chr7-21707745-C-T. GRCh37 (hg19) VCF-style: chr7-21747363-C-T.
Other names: c.6614C>T, p.Pro2205Leu (NM_003777.3); c.6593C>T (NM_001277115.1); short protein forms P2198L, P2205L.
Identifiers: ClinVar variation 3014805 (VCV003014805.5), dbSNP rs745741888, ClinGen allele CA4180901.